The following is an entry in ClinVar:

ClinVar aggregate classification (germline): Uncertain significance. Review status: criteria provided, multiple submitters, no conflicts (2 of 4 stars). 2 submissions from 2 submitters: Uncertain significance (2). Last evaluated 2026-07-27.

Conditions:
Inborn genetic diseases. Identifiers: MedGen C0950123, MeSH D030342.

Allele frequency attached by ClinVar (database versions not stated): gnomAD exomes 0.00001; gnomAD 0.00004; TOPMed 0.00013.
gnomAD v4.1: 16 of 1,613,400 alleles (0.00099%); highest among the groups gnomAD compares: Admixed American, 0.018%; no homozygotes.

Submissions (2):

GeneDx
Classification: Uncertain significance. Last evaluated: 2026-07-27. Review status: criteria provided, single submitter. Criteria: GeneDx Variant Classification Process June 2021. Collection method: clinical testing. Allele origin: germline.
Comment: In silico analysis suggests that this missense variant does not alter protein structure/function; Has not been previously published as pathogenic or benign to our knowledge

Ambry Genetics
Classification: Uncertain significance for Inborn genetic diseases. Last evaluated: 2024-02-28. Review status: criteria provided, single submitter. Criteria: Ambry Variant Classification Scheme 2023. Collection method: clinical testing. Allele origin: germline.

NM_006828.4(ASCC3):c.3557C>T (p.Ala1186Val)

Gene: ASCC3 (activating signal cointegrator 1 complex subunit 3; minus strand). Cytogenetic location: 6q16.3.
Variant type: single nucleotide variant.
Coding change: c.3557C>T on transcript NM_006828.4 (MANE Select); coding-DNA position 3557, C replaced by T.
Protein change: p.Ala1186Val; replaces alanine 1186 with valine.
Molecular consequence: missense variant.
Genome position (GRCh38, 1-based): chr6:100,646,691, G>A on the plus strand (C>T on the coding strand, the complement: ASCC3 is on the minus strand). VCF-style: chr6-100646691-G-A. GRCh37 (hg19) VCF-style: chr6-101094567-G-A.
Other names: short protein forms A1186V.
Identifiers: ClinVar variation 3130251 (VCV003130251.3), dbSNP rs980542465, ClinGen allele CA143998400.